The following is an entry in ClinVar:

ClinVar aggregate classification (germline): Pathogenic (1 of 4 stars; one submission).

Conditions:
Early-infantile DEE. Also called: Early infantile epileptic encephalopathy; Ohtahara syndrome; Early infantile epileptic encephalopathy with suppression bursts. Identifiers: Orphanet 1934, MedGen C0393706, MONDO:0800491.

Submission:

Labcorp Genetics (formerly Invitae), Labcorp
Classification: Pathogenic for Early-infantile DEE. Last evaluated: 2019-04-25. Review status: criteria provided, single submitter. Criteria: Invitae Variant Classification Sherloc (09022015). Collection method: clinical testing. Allele origin: germline.
Comment: This sequence change creates a premature translational stop signal (p.Gln965*) in the SCN1A gene. It is expected to result in an absent or disrupted protein product. This variant is not present in population databases (ExAC no frequency). This variant has been observed in an individual affected with severe myoclonic epilepsy in infancy (PMID: 17347258). Loss-of-function variants in SCN1A are known to be pathogenic (PMID: 17347258, 18930999). For these reasons, this variant has been classified as Pathogenic.

Literature cited by the submitters: PubMed 17347258; PubMed 18930999.

NM_001165963.4(SCN1A):c.2893C>T (p.Gln965Ter)

Gene: SCN1A (sodium voltage-gated channel alpha subunit 1; minus strand). Cytogenetic location: 2q24.3.
Variant type: single nucleotide variant.
Coding change: c.2893C>T on transcript NM_001165963.4 (MANE Select); coding-DNA position 2893, C replaced by T.
Protein change: p.Gln965Ter; replaces glutamine 965 with a stop codon.
Molecular consequence: nonsense. On other transcripts: non-coding transcript variant (1).
Genome position (GRCh38, 1-based): chr2:166,037,829, G>A on the plus strand (C>T on the coding strand, the complement: SCN1A is on the minus strand). VCF-style: chr2-166037829-G-A. GRCh37 (hg19) VCF-style: chr2-166894339-G-A.
Other names: c.2809C>T, p.Gln937Ter (NM_001165964.3, NM_001353957.2, NM_001353958.2); c.2893C>T, p.Gln965Ter (NM_001202435.3, NM_001353948.2); c.2860C>T, p.Gln954Ter (NM_001353949.2, NM_001353950.2, NM_001353951.2 and 2 more transcripts); c.2857C>T, p.Gln953Ter (NM_001353954.2, NM_001353955.2); c.2806C>T, p.Gln936Ter (NM_001353960.2); c.451C>T, p.Gln151Ter (NM_001353961.2); short protein forms Q953*, Q965*, Q954*, Q151*, Q936*, Q937*.
Identifiers: ClinVar variation 949780 (VCV000949780.10), dbSNP rs1312664315, ClinGen allele CA349060959.